The following is an entry in ClinVar:

NM_000059.4(BRCA2):c.9118-1G>C

Gene: BRCA2 (BRCA2 DNA repair associated; plus strand). Cytogenetic location: 13q13.1.
Variant type: single nucleotide variant.
Coding change: c.9118-1G>C on transcript NM_000059.4 (MANE Select); the canonical splice acceptor site of the intron before coding-DNA position 9118, G replaced by C.
Molecular consequence: splice acceptor variant.
Genome position (GRCh38, 1-based): chr13:32,380,006, G>C. VCF-style: chr13-32380006-G-C. GRCh37 (hg19) VCF-style: chr13-32954143-G-C.
Other names: c.9067-1G>C (NM_001406720.1); c.9022-1G>C (NM_001406719.1); c.4186-1G>C (NM_001406721.1); c.2701-1G>C (NM_001406722.1).
Identifiers: ClinVar variation 433836 (VCV000433836.4), dbSNP rs886040950, ClinGen allele CA10654944.
Genomic context (GRCh38, chr13:32,380,006, plus strand): 5'-GATAAGTGCTTGTTAGTTTATGGAATCTCCATATGTTGAATTTTTGTTTTGTTTTCTGTA[G>C]GTTTCAGATGAAATTTTATTTCAGATTTACCAGCCACGGGAGCCCCTTCACTTCAGCAAA-3'

ClinVar aggregate classification (germline): Pathogenic. Review status: no assertion criteria provided (0 of 4 stars). 2 submissions from 2 submitters: Pathogenic (2). Last evaluated 2021-08-21.

Conditions:
Breast carcinoma. Also called: Carcinoma of breast. Identifiers: MedGen C0678222, MONDO:0004989, HP:0003002.
Malignant tumor of breast. Also called: Malignant breast neoplasm; Cancer breast. Identifiers: MedGen C0006142, MONDO:0007254. Disease mechanism: loss of function.

Submissions (2):

Medical Genetics Laboratory, Umraniye Training and Research Hospital, University of Health Sciences
Classification: Pathogenic for Breast carcinoma. Last evaluated: 2021-08-21. Review status: no assertion criteria provided. Collection method: clinical testing. Allele origin: germline. Inheritance: Autosomal dominant inheritance. Affected: yes. Observed: 1 variant allele, 1 heterozygote.
Comment: Invasive ductal Carcinoma EST= + PRO = + HER2 = - KI = 10%

Department of Pathology and Laboratory Medicine, Sinai Health System
Classification: Pathogenic for Malignant tumor of breast. Review status: no assertion criteria provided. Collection method: clinical testing. Allele origin: unknown. Affected: yes. Observed: 2 variant alleles. Study: The Canadian Open Genetics Repository (COGR).